The following is an entry in ClinVar:

ClinVar aggregate classification (germline): Uncertain significance (1 of 4 stars; one submission).

Conditions:
Cardiovascular phenotype. Identifiers: MedGen CN230736.

Submission:

Ambry Genetics
Classification: Uncertain significance for Cardiovascular phenotype. Last evaluated: 2026-03-12. Review status: criteria provided, single submitter. Criteria: Ambry Variant Classification Scheme 2023. Collection method: clinical testing. Allele origin: germline.
Comment: The p.M1836V variant (also known as c.5506A>G), located in coding exon 33 of the FLNC gene, results from an A to G substitution at nucleotide position 5506. The methionine at codon 1836 is replaced by valine, an amino acid with highly similar properties. This amino acid position is conserved. In addition, the in silico prediction for this alteration is inconclusive. Based on the available evidence, the clinical significance of this variant remains unclear.

NM_001458.5(FLNC):c.5506A>G (p.Met1836Val)

Genes: FLNC-AS1 (FLNC antisense RNA 1; minus strand), FLNC (filamin C; plus strand). Cytogenetic location: 7q32.1.
Variant type: single nucleotide variant.
Coding change: c.5506A>G on transcript NM_001458.5 (MANE Select); coding-DNA position 5506, A replaced by G.
Protein change: p.Met1836Val; replaces methionine 1836 with valine.
Molecular consequence: missense variant.
Genome position (GRCh38, 1-based): chr7:128,850,910, A>G. VCF-style: chr7-128850910-A-G. GRCh37 (hg19) VCF-style: chr7-128490964-A-G.
Other names: c.5407A>G, p.Met1803Val (NM_001127487.2); short protein forms M1803V, M1836V.
Identifiers: ClinVar variation 4826688 (VCV004826688.1).